The following is an entry in ClinVar:

NM_007347.5(AP4E1):c.1269G>T (p.Glu423Asp)

Gene: AP4E1 (adaptor related protein complex 4 subunit epsilon 1; plus strand). Cytogenetic location: 15q21.2.
Variant type: single nucleotide variant.
Coding change: c.1269G>T on transcript NM_007347.5 (MANE Select); coding-DNA position 1269, G replaced by T.
Protein change: p.Glu423Asp; replaces glutamic acid 423 with aspartic acid.
Molecular consequence: missense variant.
Genome position (GRCh38, 1-based): chr15:50,948,112, G>T. VCF-style: chr15-50948112-G-T. GRCh37 (hg19) VCF-style: chr15-51240309-G-T.
Other names: c.1269G>T (NM_007347.3); c.1044G>T, p.Glu348Asp (NM_001252127.2); short protein forms E423D, E348D.
Identifiers: ClinVar variation 1036450 (VCV001036450.9), dbSNP rs145477211, ClinGen allele CA7559022.

ClinVar aggregate classification (germline): Uncertain significance. Review status: criteria provided, multiple submitters, no conflicts (2 of 4 stars). 2 submissions from 2 submitters: Uncertain significance (2). Last evaluated 2025-05-18.

Conditions:
Spastic paraplegia. Identifiers: MedGen C0037772, HP:0001258.
Inborn genetic diseases. Identifiers: MedGen C0950123, MeSH D030342.

Allele frequency attached by ClinVar (database versions not stated): ExAC 0.00003; TOPMed 0.00009; ESP Exome Variant Server 0.00023.
gnomAD v4.1: 14 of 1,613,846 alleles (0.00087%); highest among the groups gnomAD compares: African/African-American, 0.019%; no homozygotes.

Submissions (2):

Ambry Genetics
Classification: Uncertain significance for Inborn genetic diseases. Last evaluated: 2025-05-18. Review status: criteria provided, single submitter. Criteria: Ambry Variant Classification Scheme 2023. Collection method: clinical testing. Allele origin: germline.

Labcorp Genetics (formerly Invitae), Labcorp
Classification: Uncertain significance for Spastic paraplegia. Last evaluated: 2022-06-27. Review status: criteria provided, single submitter. Criteria: Invitae Variant Classification Sherloc (09022015). Collection method: clinical testing. Allele origin: germline.
Comment: In summary, the available evidence is currently insufficient to determine the role of this variant in disease. Therefore, it has been classified as a Variant of Uncertain Significance. Algorithms developed to predict the effect of missense changes on protein structure and function (SIFT, PolyPhen-2, Align-GVGD) all suggest that this variant is likely to be tolerated. ClinVar contains an entry for this variant (Variation ID: 1036450). This variant has not been reported in the literature in individuals affected with AP4E1-related conditions. This variant is present in population databases (rs145477211, gnomAD 0.03%). This sequence change replaces glutamic acid, which is acidic and polar, with aspartic acid, which is acidic and polar, at codon 423 of the AP4E1 protein (p.Glu423Asp).